The following is an entry in ClinVar:

NM_001082538.3(TCTN1):c.1219T>C (p.Tyr407His)

Gene: TCTN1 (tectonic family member 1; plus strand). Cytogenetic location: 12q24.11.
Variant type: single nucleotide variant.
Coding change: c.1219T>C on transcript NM_001082538.3 (MANE Select); coding-DNA position 1219, T replaced by C.
Protein change: p.Tyr407His; replaces tyrosine 407 with histidine.
Molecular consequence: missense variant. On other transcripts: intron variant (2).
Genome position (GRCh38, 1-based): chr12:110,642,277, T>C. VCF-style: chr12-110642277-T-C. GRCh37 (hg19) VCF-style: chr12-111080082-T-C.
Other names: c.1219T>C, p.Tyr407His (NM_001082537.3); c.1051T>C, p.Tyr351His (NM_001173975.3); c.685T>C, p.Tyr229His (NM_001319681.2); c.1177T>C, p.Tyr393His (NM_024549.6); c.1010+650T>C (NM_001173976.2); c.1190+650T>C (NM_001319680.2); short protein forms Y351H, Y229H, Y393H, Y407H.
Identifiers: ClinVar variation 1983633 (VCV001983633.4), dbSNP rs2067007774, ClinGen allele CA386705376.

ClinVar aggregate classification (germline): Uncertain significance (1 of 4 stars; one submission).

Conditions:
Joubert syndrome. Also called: CEREBELLOPARENCHYMAL DISORDER IV; JOUBERT-BOLTSHAUSER SYNDROME; Familial aplasia of the vermis. Identifiers: Orphanet 475, MedGen C5979921, MONDO:0018772.
Meckel-Gruber syndrome. Also called: DYSENCEPHALIA SPLANCHNOCYSTICA; GRUBER SYNDROME; Dysencephalia splachnocystica. Identifiers: Orphanet 564, MedGen C0265215, MONDO:0018921.

Allele frequency attached by ClinVar (database versions not stated): TOPMed below 0.00001; gnomAD exomes 0.00001.
gnomAD v4.1: 8 of 1,614,184 alleles (0.0005%); highest among the groups gnomAD compares: Non-Finnish European, 0.00034%; no homozygotes.

Submission:

Labcorp Genetics (formerly Invitae), Labcorp
Classification: Uncertain significance for Joubert syndrome; Meckel-Gruber syndrome. Last evaluated: 2022-05-13. Review status: criteria provided, single submitter. Criteria: Invitae Variant Classification Sherloc (09022015). Collection method: clinical testing. Allele origin: germline.
Comment: Algorithms developed to predict the effect of missense changes on protein structure and function output the following: SIFT: "Tolerated"; PolyPhen-2: "Benign"; Align-GVGD: "Class C0". The histidine amino acid residue is found in multiple mammalian species, which suggests that this missense change does not adversely affect protein function. This variant has not been reported in the literature in individuals affected with TCTN1-related conditions. This variant is not present in population databases (gnomAD no frequency). This sequence change replaces tyrosine, which is neutral and polar, with histidine, which is basic and polar, at codon 407 of the TCTN1 protein (p.Tyr407His). In summary, the available evidence is currently insufficient to determine the role of this variant in disease. Therefore, it has been classified as a Variant of Uncertain Significance.